The following is an entry in ClinVar:

ClinVar aggregate classification (germline): Uncertain significance. Review status: criteria provided, multiple submitters, no conflicts (2 of 4 stars). 3 submissions from 3 submitters: Uncertain significance (3). Last evaluated 2026-01-19.

Conditions:
RECQL4-related disorder. Also called: RECQL4-related disorders; RECQL4-related condition.
Inborn genetic diseases. Identifiers: MedGen C0950123, MeSH D030342.
Baller-Gerold syndrome (BGS). Also called: CRANIOSYNOSTOSIS WITH RADIAL DEFECTS. Identifiers: Orphanet 1225, MedGen C0265308, MONDO:0009039, OMIM 218600.

Allele frequency attached by ClinVar (database versions not stated): gnomAD 0.00001 and 0.00002; ExAC 0.00006; TOPMed 0.00006; gnomAD exomes 0.00008; 1000 Genomes Project 0.00020; 1000 Genomes Project 30x 0.00031.

Submissions (3):

Labcorp Genetics (formerly Invitae), Labcorp
Classification: Uncertain significance for Baller-Gerold syndrome. Last evaluated: 2026-01-19. Review status: criteria provided, single submitter. Criteria: Invitae Variant Classification Sherloc (09022015). Collection method: clinical testing. Allele origin: germline.
Comment: This sequence change replaces proline, which is neutral and non-polar, with serine, which is neutral and polar, at codon 314 of the RECQL4 protein (p.Pro314Ser). This variant is present in population databases (rs538222166, gnomAD 0.05%). This variant has not been reported in the literature in individuals affected with RECQL4-related conditions. ClinVar contains an entry for this variant (Variation ID: 406961). Invitae Evidence Modeling of protein sequence and biophysical properties (such as structural, functional, and spatial information, amino acid conservation, physicochemical variation, residue mobility, and thermodynamic stability) indicates that this missense variant is not expected to disrupt RECQL4 protein function with a negative predictive value of 80%. In summary, the available evidence is currently insufficient to determine the role of this variant in disease. Therefore, it has been classified as a Variant of Uncertain Significance.

PreventionGenetics, part of Exact Sciences
Classification: Uncertain significance for RECQL4-related condition. Last evaluated: 2026-01-16. Review status: criteria provided, single submitter. Criteria: ACMG Guidelines, 2015. Collection method: clinical testing. Allele origin: germline.
Comment: The RECQL4 c.940C>T variant is predicted to result in the amino acid substitution p.Pro314Ser. To our knowledge, this variant has not been reported in the literature. This variant is reported in 0.057% of alleles in individuals of Latino descent in gnomAD which is likely too frequent for an undocumented disease-causing variant. Although we suspect that this variant may be benign, at this time, the clinical significance of this variant is uncertain due to the absence of conclusive functional and genetic evidence.

Ambry Genetics
Classification: Uncertain significance for Inborn genetic diseases. Last evaluated: 2021-08-10. Review status: criteria provided, single submitter. Criteria: Ambry Variant Classification Scheme 2023. Collection method: clinical testing. Allele origin: germline.

NM_004260.4(RECQL4):c.940C>T (p.Pro314Ser)

Gene: RECQL4 (RecQ like helicase 4; minus strand). Cytogenetic location: 8q24.3.
Variant type: single nucleotide variant.
Coding change: c.940C>T on transcript NM_004260.4 (MANE Select); coding-DNA position 940, C replaced by T.
Protein change: p.Pro314Ser; replaces proline 314 with serine.
Molecular consequence: missense variant.
Genome position (GRCh38, 1-based): chr8:144,516,179, G>A on the plus strand (C>T on the coding strand, the complement: RECQL4 is on the minus strand). VCF-style: chr8-144516179-G-A. GRCh37 (hg19) VCF-style: chr8-145741563-G-A.
Other names: short protein forms P314S.
Identifiers: ClinVar variation 406961 (VCV000406961.12), dbSNP rs538222166, ClinGen allele CA4949134.